The following is an entry in ClinVar:

ClinVar aggregate classification (germline): Uncertain significance (1 of 4 stars; one submission).

Conditions:
Intellectual developmental disorder, autosomal dominant 54. Also called: MENTAL RETARDATION, AUTOSOMAL DOMINANT 54; Intellectual disability, autosomal dominant 54. Identifiers: MedGen C4540484, MONDO:0030920, OMIM 617799.

Submission:

Neuberg Centre For Genomic Medicine, NCGM
Classification: Uncertain significance for Intellectual developmental disorder, autosomal dominant 54. Last evaluated: 2023-07-22. Review status: criteria provided, single submitter. Criteria: ACMG Guidelines, 2015. Collection method: clinical testing. Allele origin: germline. Inheritance: Autosomal dominant inheritance. Affected: yes.
Comment: The missense c.1969T>Gp.Cys657Gly variant in CAMK2B gene has not been reported previously as a pathogenic variant nor as a benign variant, to our knowledge. The p.Cys657Gly variant is absent in gnomAD Exomes. This variant has not been submitted to the ClinVar database. Multiple lines of computational evidences Polyphen - Probably damaging, SIFT - Tolerated and MutationTaster - Disease causing predict conflicting evidence on protein structure and function for this variant. The reference amino acid at this position on CAMK2B gene is predicted as conserved by GERP++ and PhyloP across 100 vertebrates. The amino acid Cys at position 657 is changed to a Gly changing protein sequence and it might alter its composition and physico-chemical properties. For these reasons, this variant has been classified as a Variant of Uncertain Significance VUS.

NM_001220.5(CAMK2B):c.1969T>G (p.Cys657Gly)

Gene: CAMK2B (calcium/calmodulin dependent protein kinase II beta; minus strand). Cytogenetic location: 7p13.
Variant type: single nucleotide variant.
Coding change: c.1969T>G on transcript NM_001220.5 (MANE Select); coding-DNA position 1969, T replaced by G.
Protein change: p.Cys657Gly; replaces cysteine 657 with glycine.
Molecular consequence: missense variant.
Genome position (GRCh38, 1-based): chr7:44,220,094, A>C on the plus strand (T>G on the coding strand, the complement: CAMK2B is on the minus strand). VCF-style: chr7-44220094-A-C. GRCh37 (hg19) VCF-style: chr7-44259693-A-C.
Other names: c.1597T>G, p.Cys533Gly (NM_001293170.2, NM_172078.3); c.1525T>G, p.Cys509Gly (NM_172079.3); c.1522T>G, p.Cys508Gly (NM_172080.3); c.1480T>G, p.Cys494Gly (NM_172081.3); c.1447T>G, p.Cys483Gly (NM_172082.3); c.1408T>G, p.Cys470Gly (NM_172083.3); c.1318T>G, p.Cys440Gly (NM_172084.3); short protein forms C440G, C470G, C483G, C494G, C508G, C509G, C533G, C657G.
Identifiers: ClinVar variation 3391349 (VCV003391349.1).